The following is an entry in ClinVar:

ClinVar aggregate classification (germline): Uncertain significance. Review status: criteria provided, multiple submitters, no conflicts (2 of 4 stars). 3 submissions from 3 submitters: Uncertain significance (3). Last evaluated 2026-01-30.

Conditions:
Fanconi anemia (FA). Also called: Fanconi's anemia. Identifiers: Orphanet 84, MedGen C0015625, MeSH D005199, MONDO:0019391.
Fanconi anemia complementation group I (FANCI). Also called: FANCI-Related Fanconi Anemia. Identifiers: Orphanet 84, MedGen C1836861, MONDO:0012186, OMIM 609053.

Allele frequency attached by ClinVar (database versions not stated): gnomAD 0.00005 and 0.00006; ESP Exome Variant Server 0.00015; gnomAD exomes 0.00006; ExAC 0.00003; TOPMed 0.00007.
gnomAD v4.1: 202 of 1,614,108 alleles (0.013%); highest among the groups gnomAD compares: Non-Finnish European, 0.016%; no homozygotes.

Submissions (3):

GeneDx
Classification: Uncertain significance. Last evaluated: 2026-01-30. Review status: criteria provided, single submitter. Criteria: GeneDx Variant Classification Process June 2021. Collection method: clinical testing. Allele origin: germline.
Comment: In silico analysis suggests that this missense variant does not alter protein structure/function; Has not been previously published as pathogenic or benign to our knowledge

Fulgent Genetics
Classification: Uncertain significance for Fanconi anemia complementation group I. Last evaluated: 2024-01-23. Review status: criteria provided, single submitter. Criteria: ACMG Guidelines, 2015. Collection method: clinical testing. Allele origin: germline.

Labcorp Genetics (formerly Invitae), Labcorp
Classification: Uncertain significance for Fanconi anemia. Last evaluated: 2022-05-29. Review status: criteria provided, single submitter. Criteria: Invitae Variant Classification Sherloc (09022015). Collection method: clinical testing. Allele origin: germline.
Comment: This sequence change replaces histidine, which is basic and polar, with arginine, which is basic and polar, at codon 417 of the FANCI protein (p.His417Arg). This variant is present in population databases (rs377227097, gnomAD 0.01%). This variant has not been reported in the literature in individuals affected with FANCI-related conditions. ClinVar contains an entry for this variant (Variation ID: 646018). Algorithms developed to predict the effect of missense changes on protein structure and function (SIFT, PolyPhen-2, Align-GVGD) all suggest that this variant is likely to be tolerated. In summary, the available evidence is currently insufficient to determine the role of this variant in disease. Therefore, it has been classified as a Variant of Uncertain Significance.

NM_001113378.2(FANCI):c.1250A>G (p.His417Arg)

Gene: FANCI (FA complementation group I; plus strand). Cytogenetic location: 15q26.1.
Variant type: single nucleotide variant.
Coding change: c.1250A>G on transcript NM_001113378.2 (MANE Select); coding-DNA position 1250, A replaced by G.
Protein change: p.His417Arg; replaces histidine 417 with arginine.
Molecular consequence: missense variant.
Genome position (GRCh38, 1-based): chr15:89,276,848, A>G. VCF-style: chr15-89276848-A-G. GRCh37 (hg19) VCF-style: chr15-89820079-A-G.
Other names: c.971A>G, p.His324Arg (NM_001376910.1); c.1250A>G, p.His417Arg (NM_001376911.1, NM_018193.3); short protein forms H417R, H324R.
Identifiers: ClinVar variation 646018 (VCV000646018.10), dbSNP rs377227097, ClinGen allele CA7722952.
Genomic context (GRCh38, chr15:89,276,848, plus strand): 5'-AGGTTCTTGATGGAAAAACTATTGAAACCAGCCCAAGTCTTTCTAGAATGCCAAACCAGC[A>G]TGCATGTAAGCTCGGAGCTAATATCCTGTTGGAAACTTTTAAGGTGAGACACTATTTTGG-3'
Protein context (NP_001106849.1, residues 407-427): SPSLSRMPNQ[His417Arg]ACKLGANILL